The following is an entry in ClinVar:

ClinVar aggregate classification (germline): Pathogenic. Review status: reviewed by expert panel (3 of 4 stars). 3 submissions from 3 submitters: Pathogenic (1). 2 of the submissions do not count toward it. Last evaluated 2017-05-09.

Conditions:
Cardio-facio-cutaneous syndrome. Also called: Cardiofaciocutaneous syndrome; CFC syndrome. Identifiers: Orphanet 1340, MedGen C1275081, MONDO:0015280. Disease mechanism: gain of function.
Cardiofaciocutaneous syndrome 4 (CFC4). Also called: MAP2K2-Related Cardiofaciocutaneous Syndrome. Identifiers: Orphanet 1340, MedGen C3809007, MONDO:0014114, OMIM 615280.

Submissions (3):

ClinGen RASopathy Variant Curation Expert Panel
Classification: Pathogenic for Cardio-facio-cutaneous syndrome. Last evaluated: 2017-05-09. Review status: reviewed by expert panel. Criteria: ClinGen RASopathy ACMG Specifications v1. Collection method: curation. Allele origin: germline. Inheritance: Autosomal dominant inheritance.
Comment: The c.169T>G (p.Phe57Val) variant in MAP2K2 has been reported as a confirmed de novo occurrence in at least 2 patients with clinical features of a RASopathy (PS2_VeryStrong; PMID 18042262). The variant is in a location that has been defined by the ClinGen RASopathy Expert Panel to be a mutational hotspot or domain of MAP2K2 (PM1; PMID 29493581). This variant was absent from large population studies (PM2; ExAC). The variant is located in the MAP2K2 gene, which has been defined by the ClinGen RASopathy Expert Panel as a gene with a low rate of benign missense variants and pathogenic missense variants are common (PP2; PMID: 29493581). Computational prediction tools and conservation analysis suggest that the p.Phe57Val variant may impact the protein (PP3). In summary, this variant meets criteria to be classified as pathogenic for RASopathies in an autosomal dominant manner. Rasopathy-specific ACMG/AMP criteria applied (PMID:29493581): PS2_VeryStrong, PM1, PM2, PP2, PP3.

OMIM
Classification: Pathogenic for CARDIOFACIOCUTANEOUS SYNDROME 4. Last evaluated: 2008-01-01. Review status: no assertion criteria provided. Collection method: literature only. Allele origin: germline. Not counted in ClinVar's aggregate classification.

Division of Human Genetics, National Health Laboratory Service/University of the Witwatersrand
Classification: Pathogenic for Cardiofaciocutaneous syndrome 4. Review status: no assertion criteria provided. Collection method: research. Allele origin: unknown. Affected: yes. Observed: 1 variant allele. Not counted in ClinVar's aggregate classification.

Literature cited by the submitters: PubMed 18042262 (cited by ClinGen RASopathy Variant Curation Expert Panel and OMIM).

NM_030662.4(MAP2K2):c.169T>G (p.Phe57Val)

Gene: MAP2K2 (mitogen-activated protein kinase kinase 2; minus strand). Cytogenetic location: 19p13.3.
Variant type: single nucleotide variant.
Coding change: c.169T>G on transcript NM_030662.4 (MANE Select); coding-DNA position 169, T replaced by G.
Protein change: p.Phe57Val; replaces phenylalanine 57 with valine.
Molecular consequence: missense variant.
Genome position (GRCh38, 1-based): chr19:4,117,553, A>C on the plus strand (T>G on the coding strand, the complement: MAP2K2 is on the minus strand). VCF-style: chr19-4117553-A-C. GRCh37 (hg19) VCF-style: chr19-4117551-A-C.
Other names: NM_030662.3(MAP2K2):c.169T>G; short protein forms F57V.
Identifiers: ClinVar variation 8273 (VCV000008273.3), dbSNP rs121434498, ClinGen allele CA279960.